The following is an entry in ClinVar:

NM_005120.3(MED12):c.1892C>A (p.Pro631His)

Gene: MED12 (mediator complex subunit 12; plus strand). Cytogenetic location: Xq13.1.
Variant type: single nucleotide variant.
Coding change: c.1892C>A on transcript NM_005120.3 (MANE Select); coding-DNA position 1892, C replaced by A.
Protein change: p.Pro631His; replaces proline 631 with histidine.
Molecular consequence: missense variant.
Genome position (GRCh38, 1-based): chrX:71,124,306, C>A. VCF-style: chrX-71124306-C-A. GRCh37 (hg19) VCF-style: chrX-70344156-C-A.
Other names: short protein forms P631H.
Identifiers: ClinVar variation 3705670 (VCV003705670.2).
Genomic context (GRCh38, chrX:71,124,306, plus strand): 5'-ACAACATGTATACTTGCACTCTCATCTCCCGAGGGGACCTTGCCTTTGGAGCCCCTGGTC[C>A]CCGGCCTCCCTCTCCCTTTGATGATCCTGCCGATGACCCAGAGCACAAGGAGGCTGAAGG-3'
Protein context (NP_005111.2, residues 621-641): RGDLAFGAPG[Pro631His]RPPSPFDDPA

ClinVar aggregate classification (germline): Uncertain significance (1 of 4 stars; one submission).

Conditions:
FG syndrome (FGS). Identifiers: MedGen C0220769, MONDO:0002010.

Submission:

Labcorp Genetics (formerly Invitae), Labcorp
Classification: Uncertain significance for FG syndrome. Last evaluated: 2025-07-23. Review status: criteria provided, single submitter. Criteria: Invitae Variant Classification Sherloc (09022015). Collection method: clinical testing. Allele origin: germline.
Comment: This sequence change replaces proline, which is neutral and non-polar, with histidine, which is basic and polar, at codon 631 of the MED12 protein (p.Pro631His). This variant is not present in population databases (gnomAD no frequency). This missense change has been observed in individual(s) with cerebral palsy (PMID: 38693247). ClinVar contains an entry for this variant (Variation ID: 3705670). Invitae Evidence Modeling of protein sequence and biophysical properties (such as structural, functional, and spatial information, amino acid conservation, physicochemical variation, residue mobility, and thermodynamic stability) indicates that this missense variant is not expected to disrupt MED12 protein function with a negative predictive value of 95%. In summary, the available evidence is currently insufficient to determine the role of this variant in disease. Therefore, it has been classified as a Variant of Uncertain Significance.

Literature cited by the submitters: PubMed 38693247.